The following is an entry in ClinVar:

NM_001171.6(ABCC6):c.1451A>G (p.Lys484Arg)

Gene: ABCC6 (ATP binding cassette subfamily C member 6; minus strand). Cytogenetic location: 16p13.11.
Variant type: single nucleotide variant.
Coding change: c.1451A>G on transcript NM_001171.6 (MANE Select); coding-DNA position 1451, A replaced by G.
Protein change: p.Lys484Arg; replaces lysine 484 with arginine.
Molecular consequence: missense variant. On other transcripts: non-coding transcript variant (4).
Genome position (GRCh38, 1-based): chr16:16,190,348, T>C on the plus strand (A>G on the coding strand, the complement: ABCC6 is on the minus strand). VCF-style: chr16-16190348-T-C. GRCh37 (hg19) VCF-style: chr16-16284205-T-C.
Other names: c.1109A>G, p.Lys370Arg (NM_001351800.1); c.1451A>G, p.Lys484Arg (NM_001440309.1, NM_001440310.1); short protein forms K370R, K484R.
Identifiers: ClinVar variation 4690123 (VCV004690123.2).

ClinVar aggregate classification (germline): Uncertain significance. Review status: criteria provided, multiple submitters, no conflicts (2 of 4 stars). 2 submissions from 2 submitters: Uncertain significance (2). Last evaluated 2025-07-28.

gnomAD v4.1: 3 of 1,614,150 alleles (0.00019%); highest among the groups gnomAD compares: Non-Finnish European, 0.00025%; no homozygotes.

Submissions (2):

GeneDx
Classification: Uncertain significance. Last evaluated: 2025-07-28. Review status: criteria provided, single submitter. Criteria: GeneDx Variant Classification Process June 2021. Collection method: clinical testing. Allele origin: germline. Affected: yes.
Comment: Not observed at significant frequency in large population cohorts (gnomAD); In silico analysis supports that this missense variant has a deleterious effect on protein structure/function; Has not been previously published as pathogenic or benign to our knowledge

Blueprint Genetics
Classification: Uncertain significance. Last evaluated: 2021-11-11. Review status: criteria provided, single submitter. Criteria: ACMG Guidelines, 2015. Collection method: clinical testing. Allele origin: germline.